The following is an entry in ClinVar:

ClinVar aggregate classification (germline): Uncertain significance (1 of 4 stars; one submission).

Conditions:
Arginine:glycine amidinotransferase deficiency (CCDS3). Also called: L-Arginine:Glycine Amidinotransferase (AGAT) Deficiency; AGAT deficiency; L-Arginine:Glycine Amidinotransferase Deficiency; Creatine deficiency syndrome due to AGAT deficiency; GATM deficiency; Cerebral creatine deficiency syndrome 3. Identifiers: Orphanet 35704, MedGen C2675179, MONDO:0012996, OMIM 612718.

Submission:

Labcorp Genetics (formerly Invitae), Labcorp
Classification: Uncertain significance for Arginine:glycine amidinotransferase deficiency. Last evaluated: 2025-02-12. Review status: criteria provided, single submitter. Criteria: Invitae Variant Classification Sherloc (09022015). Collection method: clinical testing. Allele origin: germline.
Comment: This sequence change replaces phenylalanine, which is neutral and non-polar, with cysteine, which is neutral and slightly polar, at codon 258 of the GATM protein (p.Phe258Cys). This variant is not present in population databases (gnomAD no frequency). This variant has not been reported in the literature in individuals affected with GATM-related conditions. Invitae Evidence Modeling of protein sequence and biophysical properties (such as structural, functional, and spatial information, amino acid conservation, physicochemical variation, residue mobility, and thermodynamic stability) indicates that this missense variant is expected to disrupt GATM protein function with a positive predictive value of 95%. In summary, the available evidence is currently insufficient to determine the role of this variant in disease. Therefore, it has been classified as a Variant of Uncertain Significance.

NM_001482.3(GATM):c.773T>G (p.Phe258Cys)

Gene: GATM (glycine amidinotransferase; minus strand). Cytogenetic location: 15q21.1.
Variant type: single nucleotide variant.
Coding change: c.773T>G on transcript NM_001482.3 (MANE Select); coding-DNA position 773, T replaced by G.
Protein change: p.Phe258Cys; replaces phenylalanine 258 with cysteine.
Molecular consequence: missense variant.
Genome position (GRCh38, 1-based): chr15:45,366,411, A>C on the plus strand (T>G on the coding strand, the complement: GATM is on the minus strand). VCF-style: chr15-45366411-A-C. GRCh37 (hg19) VCF-style: chr15-45658609-A-C.
Other names: c.386T>G, p.Phe129Cys (NM_001321015.2); short protein forms F258C, F129C.
Identifiers: ClinVar variation 4709991 (VCV004709991.1).